The following is an entry in ClinVar:

NM_006384.4(CIB1):c.87-82A>G

Gene: CIB1 (calcium and integrin binding 1; minus strand). Cytogenetic location: 15q26.1.
Variant type: single nucleotide variant.
Coding change: c.87-82A>G on transcript NM_006384.4 (MANE Select); 82 bases into the intron before coding-DNA position 87, A replaced by G.
Molecular consequence: intron variant. On other transcripts: missense variant (1).
Genome position (GRCh38, 1-based): chr15:90,232,409, T>C on the plus strand (A>G on the coding strand, the complement: CIB1 is on the minus strand). VCF-style: chr15-90232409-T-C. GRCh37 (hg19) VCF-style: chr15-90775641-T-C.
Other names: c.125A>G, p.Asn42Ser (NM_001277764.2); short protein forms N42S.
Identifiers: ClinVar variation 1045242 (VCV001045242.6), dbSNP rs559105655, ClinGen allele CA274661145.

ClinVar aggregate classification (germline): Conflicting classifications of pathogenicity. Review status: criteria provided, conflicting classifications (1 of 4 stars). 3 submissions from 3 submitters: Uncertain significance (2); Likely benign (1). Last evaluated 2025-02-16.

Allele frequency attached by ClinVar (database versions not stated): 1000 Genomes Project 30x 0.00016; 1000 Genomes Project 0.00020; gnomAD 0.00061 and 0.00063; TOPMed 0.00065; gnomAD exomes 0.00121.
gnomAD v4.1: 1,686 of 1,488,346 alleles (0.11%); highest among the groups gnomAD compares: Non-Finnish European, 0.14%; 2 homozygotes.

Submissions (3):

Laboratory of Genetics, Children's Clinical University Hospital Latvia
Classification: Likely benign. Last evaluated: 2025-02-16. Review status: criteria provided, single submitter. Criteria: ACMG Guidelines, 2015. Collection method: clinical testing. Allele origin: germline. Affected: yes.

Labcorp Genetics (formerly Invitae), Labcorp
Classification: Uncertain significance. Last evaluated: 2022-11-01. Review status: criteria provided, single submitter. Criteria: Invitae Variant Classification Sherloc (09022015). Collection method: clinical testing. Allele origin: germline.
Comment: This sequence change replaces asparagine, which is neutral and polar, with serine, which is neutral and polar, at codon 42 of the CIB1 protein (p.Asn42Ser). This variant is present in population databases (rs559105655, gnomAD 0.1%), and has an allele count higher than expected for a pathogenic variant. This variant has not been reported in the literature in individuals affected with CIB1-related conditions. ClinVar contains an entry for this variant (Variation ID: 1045242). Algorithms developed to predict the effect of missense changes on protein structure and function output the following: SIFT: "Deleterious"; PolyPhen-2: "Not Available"; Align-GVGD: "Class C0". The serine amino acid residue is found in multiple mammalian species, which suggests that this missense change does not adversely affect protein function. In summary, the available evidence is currently insufficient to determine the role of this variant in disease. Therefore, it has been classified as a Variant of Uncertain Significance.

Breakthrough Genomics
Classification: Uncertain significance. Review status: criteria provided, single submitter. Criteria: ACMG Guidelines, 2015. Collection method: not provided. Allele origin: germline. Inheritance: Autosomal recessive inheritance. Affected: yes.